The following is an entry in ClinVar:

NM_001267550.2(TTN):c.103914T>C (p.Arg34638=)

Genes: TTN (titin; minus strand), TTN-AS1 (TTN antisense RNA 1; plus strand). Cytogenetic location: 2q31.2.
Variant type: single nucleotide variant.
Coding change: c.103914T>C on transcript NM_001267550.2 (MANE Select); coding-DNA position 103914, T replaced by C.
Protein change: p.Arg34638=; no amino-acid change (arginine 34638 retained).
Molecular consequence: synonymous variant.
Genome position (GRCh38, 1-based): chr2:178,532,701, A>G on the plus strand (T>C on the coding strand, the complement: TTN is on the minus strand). VCF-style: chr2-178532701-A-G. GRCh37 (hg19) VCF-style: chr2-179397428-A-G.
Other names: c.98991T>C, p.Arg32997= (NM_001256850.1); c.76719T>C, p.Arg25573= (NM_003319.4); c.96210T>C, p.Arg32070= (NM_133378.4); c.77094T>C, p.Arg25698= (NM_133432.3); c.77295T>C, p.Arg25765= (NM_133437.4).
Identifiers: ClinVar variation 681766 (VCV000681766.11), dbSNP rs977041865, ClinGen allele CA430236228.
Genomic context (GRCh38, chr2:178,532,701, plus strand): 5'-GATGTCCCCAAGAGAACGTCTTCTAGGTCGGTAGTAAAAGTCATAATCAGGAGAAGGTGT[A>G]CGCCGGCGGGCTGGTCTCACTATCTCAAGATCATCTTGGGACAGTTTAGGAATACGCCAT-3'
Protein context (NP_001254479.2, residues 34628-34648): DLEIVRPARR[Arg34638=]TPSPDYDFYY

ClinVar aggregate classification (germline): Likely benign. Review status: criteria provided, multiple submitters, no conflicts (2 of 4 stars). 3 submissions from 3 submitters: Likely benign (3). Last evaluated 2025-12-19.

Conditions:
Cardiovascular phenotype. Identifiers: MedGen CN230736.
Dilated cardiomyopathy 1G (CMD1G). Identifiers: Orphanet 154, MedGen C1858763, MONDO:0011400, OMIM 604145.
Autosomal recessive limb-girdle muscular dystrophy type 2J (LGMDR10). Also called: MUSCULAR DYSTROPHY, LIMB-GIRDLE, AUTOSOMAL RECESSIVE 10; Limb-girdle muscular dystrophy, type 2J. Identifiers: Orphanet 140922, MedGen C1837342, MONDO:0012127, OMIM 608807.

Allele frequency attached by ClinVar (database versions not stated): TOPMed 0.00002.
gnomAD v4.1: 2 of 1,613,828 alleles (0.00012%); highest among the groups gnomAD compares: Non-Finnish European, 0.00017%; no homozygotes.

Submissions (3):

Labcorp Genetics (formerly Invitae), Labcorp
Classification: Likely benign for Dilated cardiomyopathy 1G; Autosomal recessive limb-girdle muscular dystrophy type 2J. Last evaluated: 2025-12-19. Review status: criteria provided, single submitter. Criteria: Invitae Variant Classification Sherloc (09022015). Collection method: clinical testing. Allele origin: germline.

Ambry Genetics
Classification: Likely benign for Cardiovascular phenotype. Last evaluated: 2025-04-23. Review status: criteria provided, single submitter. Criteria: Ambry Variant Classification Scheme 2023. Collection method: clinical testing. Allele origin: germline.

GeneDx
Classification: Likely benign. Last evaluated: 2018-04-05. Review status: criteria provided, single submitter. Criteria: GeneDx Variant Classification (06012015). Collection method: clinical testing. Allele origin: germline. Affected: yes.
Comment: This variant is considered likely benign or benign based on one or more of the following criteria: it is a conservative change, it occurs at a poorly conserved position in the protein, it is predicted to be benign by multiple in silico algorithms, and/or has population frequency not consistent with disease.